The following is an entry in ClinVar:

NM_001267550.2(TTN):c.85147G>A (p.Gly28383Arg)

Genes: TTN (titin; minus strand), TTN-AS1 (TTN antisense RNA 1; plus strand). Cytogenetic location: 2q31.2.
Variant type: single nucleotide variant.
Coding change: c.85147G>A on transcript NM_001267550.2 (MANE Select); coding-DNA position 85147, G replaced by A.
Protein change: p.Gly28383Arg; replaces glycine 28383 with arginine.
Molecular consequence: missense variant.
Genome position (GRCh38, 1-based): chr2:178,560,985, C>T on the plus strand (G>A on the coding strand, the complement: TTN is on the minus strand). VCF-style: chr2-178560985-C-T. GRCh37 (hg19) VCF-style: chr2-179425712-C-T.
Other names: p.Gly26742Arg; c.80224G>A, p.Gly26742Arg (NM_001256850.1); c.57952G>A, p.Gly19318Arg (NM_003319.4); c.77443G>A, p.Gly25815Arg (NM_133378.4); c.58327G>A, p.Gly19443Arg (NM_133432.3); c.58528G>A, p.Gly19510Arg (NM_133437.4); short protein forms G19318R, G19443R, G19510R, G25815R, G26742R, G28383R.
Identifiers: ClinVar variation 1693835 (VCV001693835.5), dbSNP rs1333175409, ClinGen allele CA349555444.

ClinVar aggregate classification (germline): Uncertain significance. Review status: criteria provided, multiple submitters, no conflicts (2 of 4 stars). 2 submissions from 2 submitters: Uncertain significance (2). Last evaluated 2025-08-05.

Conditions:
TTN-related disorder. Also called: TTN-related disorders; TTN-related condition; TTN-related disease.

Allele frequency attached by ClinVar (database versions not stated): gnomAD exomes below 0.00001; gnomAD 0.00001; TOPMed 0.00001.
gnomAD v4.1: 1 of 1,613,694 alleles (0.000062%); highest among the groups gnomAD compares: African/African-American, 0.0013%; no homozygotes.

Submissions (2):

PreventionGenetics, part of Exact Sciences
Classification: Uncertain significance for TTN-related condition. Last evaluated: 2025-08-05. Review status: criteria provided, single submitter. Criteria: ACMG Guidelines, 2015. Collection method: clinical testing. Allele origin: germline.
Comment: The TTN c.85147G>A variant is predicted to result in the amino acid substitution p.Gly28383Arg. To our knowledge, this variant has not been reported in the literature. This variant is reported in 0.0065% of alleles in individuals of African descent in gnomAD. At this time, the clinical significance of this variant is uncertain due to the absence of conclusive functional and genetic evidence.

Mayo Clinic Laboratories, Mayo Clinic
Classification: Uncertain significance. Last evaluated: 2021-06-30. Review status: criteria provided, single submitter. Criteria: ACMG Guidelines, 2015. Collection method: clinical testing. Allele origin: germline.